The following is an entry in ClinVar:

NM_001082486.2(ACD):c.617A>C (p.His206Pro)

Gene: ACD (ACD shelterin complex subunit and telomerase recruitment factor; minus strand). Cytogenetic location: 16q22.1.
Variant type: single nucleotide variant.
Coding change: c.617A>C on transcript NM_001082486.2 (MANE Select); coding-DNA position 617, A replaced by C.
Protein change: p.His206Pro; replaces histidine 206 with proline.
Molecular consequence: missense variant.
Genome position (GRCh38, 1-based): chr16:67,658,956, T>G on the plus strand (A>C on the coding strand, the complement: ACD is on the minus strand). VCF-style: chr16-67658956-T-G. GRCh37 (hg19) VCF-style: chr16-67692859-T-G.
Other names: c.875A>C (NM_001082486.1); c.608A>C, p.His203Pro (NM_022914.3); short protein forms H203P, H206P.
Identifiers: ClinVar variation 1058605 (VCV001058605.17), dbSNP rs755371076, ClinGen allele CA8114608.
Genomic context (GRCh38, chr16:67,658,956, plus strand): 5'-CTGACATCTCCCAAGCAAATCCCCAGACTGACCGTGGCCTTGCATCGTGAGGCAGCCCAG[T>G]GGGTGACAGGGGGTGCTGTGCAAGGGCCCTCCAGTGTCAGGCAGCTTTCAGCCAGGCACA-3'
Protein context (NP_001075955.2, residues 196-216): EGPCTAPPVT[His206Pro]WAASRCKATG

ClinVar aggregate classification (germline): Conflicting classifications of pathogenicity. Review status: criteria provided, conflicting classifications (1 of 4 stars). 8 submissions from 8 submitters: Uncertain significance (6); Likely benign (2). Last evaluated 2026-02-14.

Conditions:
ACD-related short telomere syndrome. Identifiers: MedGen CN377753, MONDO:0100569.
ACD-related disorder. Also called: ACD-related condition.
Inborn genetic diseases. Identifiers: MedGen C0950123, MeSH D030342.
Dyskeratosis congenita, autosomal dominant 6 (DKCA6). Identifiers: Orphanet 3322, MedGen C4225284, MONDO:0014690, OMIM 616553.

Allele frequency attached by ClinVar (database versions not stated): gnomAD exomes 0.00003 and 0.00008; TOPMed 0.00004; gnomAD 0.00005 and 0.00007; ExAC 0.00009.
gnomAD v4.1: 55 of 1,613,686 alleles (0.0034%); highest among the groups gnomAD compares: Middle Eastern, 0.33%; 2 homozygotes.

Submissions (8):

PreventionGenetics, part of Exact Sciences
Classification: Uncertain significance for ACD-related condition. Last evaluated: 2026-02-14. Review status: criteria provided, single submitter. Criteria: ACMG Guidelines, 2015. Collection method: clinical testing. Allele origin: germline.
Comment: The ACD c.875A>C variant is predicted to result in the amino acid substitution p.His292Pro. To our knowledge, this variant has not been reported in the literature. This variant is reported in 0.0085% of alleles in individuals of European (Non-Finnish) descent in gnomAD v2 (as displayed in the table above). However, in gnomAD v4 (available only on GRCh38), this variant is reported in 0.33% of alleles in individuals of Middle Eastern descent, including 2 homozygotes. This population data is not consistent with this variant being a primary cause of disease. This variant has conflicting interpretations ranging from uncertain significance to likely benign in ClinVar (Variation ID: 1058605). Although we suspect that this variant may be benign, the clinical significance of this variant is classified as uncertain at this time due to insufficient functional and genetic evidence.

Labcorp Genetics (formerly Invitae), Labcorp
Classification: Uncertain significance for Dyskeratosis congenita, autosomal dominant 6. Last evaluated: 2025-10-22. Review status: criteria provided, single submitter. Criteria: Invitae Variant Classification Sherloc (09022015). Collection method: clinical testing. Allele origin: germline.
Comment: This sequence change replaces histidine, which is basic and polar, with proline, which is neutral and non-polar, at codon 292 of the ACD protein (p.His292Pro). This variant is present in population databases (rs755371076, gnomAD 0.01%). This variant has not been reported in the literature in individuals affected with ACD-related conditions. ClinVar contains an entry for this variant (Variation ID: 1058605). Invitae Evidence Modeling of protein sequence and biophysical properties (such as structural, functional, and spatial information, amino acid conservation, physicochemical variation, residue mobility, and thermodynamic stability) indicates that this missense variant is not expected to disrupt ACD protein function with a negative predictive value of 80%. In summary, the available evidence is currently insufficient to determine the role of this variant in disease. Therefore, it has been classified as a Variant of Uncertain Significance.

Center for Genomic Medicine, Rigshospitalet, Copenhagen University Hospital
Classification: Uncertain significance. Last evaluated: 2025-03-04. Review status: criteria provided, single submitter. Criteria: ACMG Guidelines, 2015. Collection method: clinical testing. Allele origin: germline.
Comment: Classification criteria: BP4_Moderate

Blueprint Genetics
Classification: Likely benign. Last evaluated: 2024-11-21. Review status: criteria provided, single submitter. Criteria: ACMG Guidelines, 2015. Collection method: clinical testing. Allele origin: germline.

Ambry Genetics
Classification: Uncertain significance for Inborn genetic diseases. Last evaluated: 2021-07-16. Review status: criteria provided, single submitter. Criteria: Ambry Variant Classification Scheme 2023. Collection method: clinical testing. Allele origin: germline.
Comment: The p.H292P variant (also known as c.875A>C), located in coding exon 7 of the ACD gene, results from an A to C substitution at nucleotide position 875. The histidine at codon 292 is replaced by proline, an amino acid with similar properties. This amino acid position is conserved. In addition, this alteration is predicted to be tolerated by in silico analysis. Since supporting evidence is limited at this time, the clinical significance of this alteration remains unclear.

Genetic Services Laboratory, University of Chicago
Classification: Uncertain significance. Last evaluated: 2021-04-06. Review status: criteria provided, single submitter. Criteria: ACMG Guidelines, 2015. Collection method: clinical testing. Allele origin: germline. Affected: no.
Comment: DNA sequence analysis of the ACD gene demonstrated a sequence change, c.617A>C, in exon 7 that results in an amino acid change, p.His206Pro. This sequence change does not appear to have been previously described in patients with ACD-related disorders and has been described in the gnomAD database with a low population frequency of 0.0085% in non-Finnish European subpopulation (dbSNP rs755371076). The p.His206Pro change affects a poorly conserved amino acid residue located in a domain of the ACD protein that is not known to be functional. The p.His206Pro substitution appears to be benign using several in-silico pathogenicity prediction tools (SIFT, PolyPhen2, Align GVGD, REVEL). Due to these evidences and the lack of functional studies, the clinical significance of the p.His206Pro change remains unknown at this time.

Department of Pathology and Laboratory Medicine, Sinai Health System
Classification: Likely benign for ACD-related short telomere syndrome. Last evaluated: 2020-04-29. Review status: criteria provided, single submitter. Criteria: ACMG Guidelines, 2015. Collection method: research. Allele origin: germline.

Breakthrough Genomics
Classification: Uncertain significance. Review status: criteria provided, single submitter. Criteria: ACMG Guidelines, 2015. Collection method: not provided. Allele origin: germline. Inheritance: Autosomal recessive inheritance. Affected: yes.